The following is an entry in ClinVar:

NM_053054.4(CATSPER1):c.1651C>T (p.Leu551=)

Gene: CATSPER1 (cation channel sperm associated 1; minus strand). Cytogenetic location: 11q13.1.
Variant type: single nucleotide variant.
Coding change: c.1651C>T on transcript NM_053054.4 (MANE Select); coding-DNA position 1651, C replaced by T.
Protein change: p.Leu551=; no amino-acid change (leucine 551 retained).
Molecular consequence: synonymous variant.
Genome position (GRCh38, 1-based): chr11:66,021,536, G>A on the plus strand (C>T on the coding strand, the complement: CATSPER1 is on the minus strand). VCF-style: chr11-66021536-G-A. GRCh37 (hg19) VCF-style: chr11-65789007-G-A.
Identifiers: ClinVar variation 768456 (VCV000768456.9), dbSNP rs1783562, ClinGen allele CA6114606.

ClinVar aggregate classification (germline): Benign/Likely benign. Review status: criteria provided, multiple submitters, no conflicts (2 of 4 stars). 3 submissions from 3 submitters: Benign (1); Likely benign (2). Last evaluated 2019-12-31.

Conditions:
Spermatogenic failure 7. Also called: MALE INFERTILITY, NONSYNDROMIC, AUTOSOMAL RECESSIVE. Identifiers: Orphanet 276234, MedGen C2751811, MONDO:0013070, OMIM 612997.

Allele frequency attached by ClinVar (database versions not stated): gnomAD exomes 0.00134 and 0.00344; ExAC 0.00436; 1000 Genomes Project 0.01238; gnomAD 0.01382 and 0.01483; 1000 Genomes Project 30x 0.01530; TOPMed 0.01592; ESP Exome Variant Server 0.01616.
gnomAD v4.1: 4,141 of 1,613,934 alleles (0.26%); highest among the groups gnomAD compares: African/African-American, 4.8%; 75 homozygotes.

Submissions (3):

Labcorp Genetics (formerly Invitae), Labcorp
Classification: Benign. Last evaluated: 2019-12-31. Review status: criteria provided, single submitter. Criteria: Invitae Variant Classification Sherloc (09022015). Collection method: clinical testing. Allele origin: germline.

Illumina Laboratory Services, Illumina
Classification: Likely benign for Spermatogenic failure 7. Last evaluated: 2017-04-27. Review status: criteria provided, single submitter. Criteria: ICSL Variant Classification Criteria 13 December 2019. Collection method: clinical testing. Allele origin: germline.
Comment: This variant was observed as part of a predisposition screen in an ostensibly healthy population. A literature search was performed for the gene, cDNA change, and amino acid change (where applicable). No publications were found based on this search. Allele frequency data from public databases allowed determination this variant is unlikely to cause disease. Therefore, this variant is classified as likely benign.

Breakthrough Genomics
Classification: Likely benign. Review status: criteria provided, single submitter. Criteria: ACMG Guidelines, 2015. Collection method: not provided. Allele origin: germline. Inheritance: Autosomal recessive inheritance. Affected: yes.